The following is an entry in ClinVar:

NM_000255.4(MMUT):c.385+9T>C

Gene: MMUT (methylmalonyl-CoA mutase; minus strand). Cytogenetic location: 6p12.3.
Variant type: single nucleotide variant.
Coding change: c.385+9T>C on transcript NM_000255.4 (MANE Select); 9 bases into the intron after coding-DNA position 385, T replaced by C.
Molecular consequence: intron variant.
Genome position (GRCh38, 1-based): chr6:49,459,073, A>G on the plus strand (T>C on the coding strand, the complement: MMUT is on the minus strand). VCF-style: chr6-49459073-A-G. GRCh37 (hg19) VCF-style: chr6-49426786-A-G.
Other names: KC594080.1; KC594095.1.
Identifiers: ClinVar variation 100708 (VCV000100708.1), dbSNP rs483352783, ClinGen allele CA235523.

ClinVar aggregate classification (germline): not provided (0 of 4 stars; one submission).

Allele frequency attached by ClinVar (database versions not stated): gnomAD exomes below 0.00001.
gnomAD v4.1: 1 of 1,613,478 alleles (0.000062%); highest among the groups gnomAD compares: South Asian, 0.0011%; no homozygotes.

Submission:

Medical Genetics Unit, Ain Shams University Pediatrics Hospital
No classification provided. Review status: no classification provided. Collection method: not provided. Allele origin: not provided.
Comment: Methylmalonic aciduria